The following is an entry in ClinVar:

ClinVar aggregate classification (germline): Pathogenic/Likely pathogenic. Review status: criteria provided, multiple submitters, no conflicts (2 of 4 stars). 2 submissions from 2 submitters: Pathogenic (1); Likely pathogenic (1). Last evaluated 2026-06-29.

Conditions:
Atransferrinemia. Also called: Familial hypotransferrinemia. Identifiers: Orphanet 1195, MedGen C0521802, MONDO:0008846, OMIM 209300, HP:0012239.

gnomAD v4.1: 9 of 1,614,172 alleles (0.00056%); highest among the groups gnomAD compares: Non-Finnish European, 0.00076%; no homozygotes.

Submissions (2):

Myriad Genetics, Inc.
Classification: Pathogenic for Atransferrinemia. Last evaluated: 2026-06-29. Review status: criteria provided, single submitter. Criteria: Myriad Autosomal Dominant, Autosomal Recessive and X-Linked Classification Criteria (2023). Collection method: clinical testing. Allele origin: unknown.
Comment: NM_001063.3(TF):c.394C>T(R132*) is a nonsense variant classified as pathogenic in the context of atransferrinemia. R132* has not been observed in cases with relevant disease. Relevant functional assessments of this variant are not available in the literature. R132* has not been observed in referenced population frequency databases. In summary, NM_001063.3(TF):c.394C>T(R132*) is a nonsense variant in a gene where loss of function is a known mechanism of disease and is predicted to disrupt protein function. Please note: this variant was assessed in the context of healthy population screening.

Fulgent Genetics
Classification: Likely pathogenic for Atransferrinemia. Last evaluated: 2024-03-14. Review status: criteria provided, single submitter. Criteria: ACMG Guidelines, 2015. Collection method: clinical testing. Allele origin: germline.

NM_001063.4(TF):c.394C>T (p.Arg132Ter)

Gene: TF (transferrin; plus strand). Cytogenetic location: 3q22.1.
Variant type: single nucleotide variant.
Coding change: c.394C>T on transcript NM_001063.4 (MANE Select); coding-DNA position 394, C replaced by T.
Protein change: p.Arg132Ter; replaces arginine 132 with a stop codon.
Molecular consequence: nonsense.
Genome position (GRCh38, 1-based): chr3:133,754,563, C>T. VCF-style: chr3-133754563-C-T. GRCh37 (hg19) VCF-style: chr3-133473407-C-T.
Other names: c.262C>T, p.Arg88Ter (NM_001354703.2); c.13C>T, p.Arg5Ter (NM_001354704.2); short protein forms R132*, R88*, R5*.
Identifiers: ClinVar variation 3588597 (VCV003588597.2).
Genomic context (GRCh38, chr3:133,754,563, plus strand): 5'-ACTTTCTATTATGCTGTTGCTGTGGTGAAGAAGGATAGTGGCTTCCAGATGAACCAGCTT[C>T]GAGGCAAGAAGTCCTGCCACACGGGTCTAGGCAGGTCCGCTGGGTGGAACATCCCCATAG-3'